The following is an entry in ClinVar:

ClinVar aggregate classification (germline): Uncertain significance (1 of 4 stars; one submission).

Submission:

GeneDx
Classification: Uncertain significance. Last evaluated: 2022-01-06. Review status: criteria provided, single submitter. Criteria: GeneDx Variant Classification Process June 2021. Collection method: clinical testing. Allele origin: germline. Affected: yes.
Comment: Not observed at significant frequency in large population cohorts (gnomAD); In silico analysis supports that this missense variant does not alter protein structure/function; Has not been previously published as pathogenic or benign to our knowledge

NM_138927.4(SON):c.4009C>A (p.Pro1337Thr)

Gene: SON (SON DNA and RNA binding protein; plus strand). Cytogenetic location: 21q22.11.
Variant type: single nucleotide variant.
Coding change: c.4009C>A on transcript NM_138927.4 (MANE Select); coding-DNA position 4009, C replaced by A.
Protein change: p.Pro1337Thr; replaces proline 1337 with threonine.
Molecular consequence: missense variant. On other transcripts: non-coding transcript variant (1), intron variant (1).
Genome position (GRCh38, 1-based): chr21:33,553,240, C>A. VCF-style: chr21-33553240-C-A. GRCh37 (hg19) VCF-style: chr21-34925546-C-A.
Other names: c.4009C>A, p.Pro1337Thr (NM_001291411.2, NM_032195.3); c.245-3916C>A (NM_001291412.3); short protein forms P1337T.
Identifiers: ClinVar variation 1695851 (VCV001695851.2), dbSNP rs779849896, ClinGen allele CA410161780.